The following is an entry in ClinVar:

NM_006765.4(TUSC3):c.309-3C>G

Gene: TUSC3 (tumor suppressor candidate 3; plus strand). Cytogenetic location: 8p22.
Variant type: single nucleotide variant.
Coding change: c.309-3C>G on transcript NM_006765.4 (MANE Select); 3 bases into the intron before coding-DNA position 309, C replaced by G.
Molecular consequence: intron variant.
Genome position (GRCh38, 1-based): chr8:15,650,694, C>G. VCF-style: chr8-15650694-C-G. GRCh37 (hg19) VCF-style: chr8-15508203-C-G.
Other names: c.309-3C>G (NM_178234.2, NM_001356429.2).
Identifiers: ClinVar variation 858917 (VCV000858917.7), dbSNP rs776386983, ClinGen allele CA4640383.

ClinVar aggregate classification (germline): Uncertain significance (1 of 4 stars; one submission).

Conditions:
Intellectual developmental disorder, autosomal recessive 7. Also called: Intellectual disability, autosomal recessive 7. Identifiers: Orphanet 88616, MedGen C1970197, MONDO:0012615, OMIM 611093.

Allele frequency attached by ClinVar (database versions not stated): ExAC 0.00001; TOPMed 0.00001; gnomAD exomes 0.00002; gnomAD 0.00001.
gnomAD v4.1: 7 of 1,611,446 alleles (0.00043%); highest among the groups gnomAD compares: Admixed American, 0.01%; no homozygotes.

Submission:

Labcorp Genetics (formerly Invitae), Labcorp
Classification: Uncertain significance for Intellectual developmental disorder, autosomal recessive 7. Last evaluated: 2022-03-18. Review status: criteria provided, single submitter. Criteria: Invitae Variant Classification Sherloc (09022015). Collection method: clinical testing. Allele origin: germline.
Comment: This variant has not been reported in the literature in individuals affected with TUSC3-related conditions. ClinVar contains an entry for this variant (Variation ID: 858917). Variants that disrupt the consensus splice site are a relatively common cause of aberrant splicing (PMID: 17576681, 9536098). Algorithms developed to predict the effect of sequence changes on RNA splicing suggest that this variant may disrupt the consensus splice site. In summary, the available evidence is currently insufficient to determine the role of this variant in disease. Therefore, it has been classified as a Variant of Uncertain Significance. This variant is present in population databases (rs776386983, gnomAD 0.01%). This sequence change falls in intron 2 of the TUSC3 gene. It does not directly change the encoded amino acid sequence of the TUSC3 protein. It affects a nucleotide within the consensus splice site.

Literature cited by the submitters: PubMed 17576681; PubMed 9536098.